The following is an entry in ClinVar:

ClinVar aggregate classification (germline): Uncertain significance (1 of 4 stars; one submission).

Conditions:
Spondyloperipheral dysplasia. Also called: SPONDYLOPERIPHERAL DYSPLASIA WITH SHORT ULNA; Spondyloperipheral dysplasia-short ulna syndrome. Identifiers: Orphanet 1856, MedGen C0796173, MONDO:0010078, OMIM 271700.

Submission:

MVZ Medizinische Genetik Mainz
Classification: Uncertain significance for Spondyloperipheral dysplasia. Last evaluated: 2026-08-27. Review status: criteria provided, single submitter. Criteria: UK Practice Guidelines For Variant Classification V4 01 2020. Collection method: clinical testing. Allele origin: germline. Inheritance: Autosomal dominant inheritance. Affected: yes. Observed: 1 variant allele.
Comment: ACMG Criteria: PM2_SUP_MOD,PP3

NM_001844.5(COL2A1):c.3169G>T (p.Asp1057Tyr)

Gene: COL2A1 (collagen type II alpha 1 chain; minus strand). Cytogenetic location: 12q13.11.
Variant type: single nucleotide variant.
Coding change: c.3169G>T on transcript NM_001844.5 (MANE Select); coding-DNA position 3169, G replaced by T.
Protein change: p.Asp1057Tyr; replaces aspartic acid 1057 with tyrosine.
Molecular consequence: missense variant.
Genome position (GRCh38, 1-based): chr12:47,977,424, C>A on the plus strand (G>T on the coding strand, the complement: COL2A1 is on the minus strand). VCF-style: chr12-47977424-C-A. GRCh37 (hg19) VCF-style: chr12-48371207-C-A.
Other names: c.2962G>T, p.Asp988Tyr (NM_033150.3); short protein forms D988Y, D1057Y.
Identifiers: ClinVar variation 5010162 (VCV005010162.1).
Genomic context (GRCh38, chr12:47,977,424, plus strand): 5'-CAGGGGAGCCAGGGGGCCCAGGGGCTCCAGGAGCTCCCACAGCACCAGTCTCACCACGAT[C>A]ACCCTGTCAGGAGAGAGGTCTCAGGCTCAGAGAAGAATGTTCCAGAAGAGACAGGAACAG-3'
Protein context (NP_001835.3, residues 1047-1067): GRDGAAGVKG[Asp1057Tyr]RGETGAVGAP